The following is an entry in ClinVar:

ClinVar aggregate classification (germline): Pathogenic (1 of 4 stars; one submission).

Conditions:
Peroxisome biogenesis disorder. Identifiers: Orphanet 79189, MedGen C1832200, MONDO:0019234. Disease mechanism: loss of function.

Submission:

Myriad Genetics, Inc.
Classification: Pathogenic for Peroxisome biogenesis disorder. Last evaluated: 2025-04-03. Review status: criteria provided, single submitter. Criteria: Myriad Autosomal Dominant, Autosomal Recessive and X-Linked Classification Criteria (2023). Collection method: clinical testing. Allele origin: unknown.
Comment: NM_153818.1(PEX10):c.869delAinsCT(N290Tfs*69) is a frameshift variant that results in protein elongation classified as pathogenic in the context of peroxisome biogenesis disorder type 6. N290Tfs*69 has not been observed in cases with relevant disease. Relevant functional assessments of this variant are not available in the literature. N290Tfs*69 has not been observed in referenced population frequency databases. In summary, NM_153818.1(PEX10):c.869delAinsCT(N290Tfs*69) is a frameshift variant that results in protein elongation in a gene where loss of function is a known mechanism of disease and is predicted to disrupt protein function. Please note: this variant was assessed in the context of healthy population screening.

NM_002617.4(PEX10):c.809delinsCT (p.Asn270fs)

Gene: PEX10 (peroxisomal biogenesis factor 10; minus strand). Cytogenetic location: 1p36.32.
Variant type: Indel.
Coding change: c.809delinsCT on transcript NM_002617.4 (MANE Select); coding-DNA position 809, A replaced by CT.
Protein change: p.Asn270fs; shifts the reading frame from asparagine 270.
Molecular consequence: frameshift variant. On other transcripts: non-coding transcript variant (1).
Genome position (GRCh38, 1-based): chr1:2,406,587, T replaced by AG on the plus strand (A replaced by CT on the coding strand, the reverse complement: PEX10 is on the minus strand). VCF-style: chr1-2406587-T-AG. GRCh37 (hg19) VCF-style: chr1-2338026-T-AG.
Other names: c.866delinsCT, p.Asn289fs (NM_001374425.1); c.434delinsCT, p.Asn145fs (NM_001374426.1); c.377delinsCT, p.Asn126fs (NM_001374427.1); c.869delinsCT, p.Asn290fs (NM_153818.2); short protein forms N126fs, N145fs, N270fs, N289fs, N290fs.
Identifiers: ClinVar variation 4081764 (VCV004081764.1).
Genomic context (GRCh38, chr1:2,406,587, plus strand): 5'-TGGCCGCAGGGCGTGGCTGTTGGGTGCCTGCGCTCCTCCAGGCACAGGGTGCACAGGGGG[T>AG]TTCTGGAAACGGCTCTCTCCTCCAAGGAGGCCCTGGGGAAGGTGGGGCAGAGCGTCAAGG-3'